The following is an entry in ClinVar:

NM_032620.4(GTPBP3):c.771C>T (p.Pro257=)

Gene: GTPBP3 (GTP binding protein 3, mitochondrial; plus strand). Cytogenetic location: 19p13.11.
Variant type: single nucleotide variant.
Coding change: c.771C>T on transcript NM_032620.4 (MANE Select); coding-DNA position 771, C replaced by T.
Protein change: p.Pro257=; no amino-acid change (proline 257 retained).
Molecular consequence: synonymous variant.
Genome position (GRCh38, 1-based): chr19:17,339,229, C>T. VCF-style: chr19-17339229-C-T. GRCh37 (hg19) VCF-style: chr19-17450038-C-T.
Other names: p.Pro289=; c.771C>T, p.Pro257= (NM_001128855.3); c.837C>T, p.Pro279= (NM_001195422.1); c.867C>T, p.Pro289= (NM_133644.4).
Identifiers: ClinVar variation 384248 (VCV000384248.17), dbSNP rs11880362, ClinGen allele CA9293490.

ClinVar aggregate classification (germline): Benign. Review status: criteria provided, multiple submitters, no conflicts (2 of 4 stars). 5 submissions from 5 submitters: Benign (4). 1 of the submissions does not count toward it. Last evaluated 2026-02-03.

Conditions:
GTPBP3-related disorder. Also called: GTPBP3-related condition.

Allele frequency attached by ClinVar (database versions not stated): gnomAD exomes 0.00182 and 0.00499; ExAC 0.00627; gnomAD 0.01890 and 0.02035; TOPMed 0.02037; 1000 Genomes Project 0.02057; ESP Exome Variant Server 0.02222; 1000 Genomes Project 30x 0.02280.
gnomAD v4.1: 5,631 of 1,611,414 alleles (0.35%); highest among the groups gnomAD compares: African/African-American, 6.6%; 153 homozygotes.

Submissions (5):

Labcorp Genetics (formerly Invitae), Labcorp
Classification: Benign. Last evaluated: 2026-02-03. Review status: criteria provided, single submitter. Criteria: Invitae Variant Classification Sherloc (09022015). Collection method: clinical testing. Allele origin: germline.

Mayo Clinic Laboratories, Mayo Clinic
Classification: Benign. Last evaluated: 2023-06-26. Review status: criteria provided, single submitter. Criteria: ACMG Guidelines, 2015. Collection method: clinical testing. Allele origin: germline. Observed: 9 variant alleles.

GeneDx
Classification: Benign. Last evaluated: 2016-04-21. Review status: criteria provided, single submitter. Criteria: GeneDx Variant Classification (06012015). Collection method: clinical testing. Allele origin: germline. Affected: yes.
Comment: This variant is considered likely benign or benign based on one or more of the following criteria: it is a conservative change, it occurs at a poorly conserved position in the protein, it is predicted to be benign by multiple in silico algorithms, and/or has population frequency not consistent with disease.

Breakthrough Genomics
Classification: Benign. Review status: criteria provided, single submitter. Criteria: ACMG Guidelines, 2015. Collection method: not provided. Allele origin: germline. Inheritance: Autosomal recessive inheritance. Affected: yes.

PreventionGenetics, part of Exact Sciences
Classification: Benign for GTPBP3-related condition. Last evaluated: 2019-10-28. Review status: no assertion criteria provided. Collection method: clinical testing. Allele origin: germline. Not counted in ClinVar's aggregate classification.
Comment: This variant is classified as benign based on ACMG/AMP sequence variant interpretation guidelines (Richards et al. 2015 PMID: 25741868, with internal and published modifications).